The following is an entry in ClinVar:

ClinVar aggregate classification (germline): Uncertain significance (1 of 4 stars; one submission).

gnomAD v4.1: 15 of 1,613,956 alleles (0.00093%); highest among the groups gnomAD compares: African/African-American, 0.0067%; no homozygotes.

Submission:

Labcorp Genetics (formerly Invitae), Labcorp
Classification: Uncertain significance. Last evaluated: 2025-07-08. Review status: criteria provided, single submitter. Criteria: Invitae Variant Classification Sherloc (09022015). Collection method: clinical testing. Allele origin: germline.
Comment: This sequence change replaces valine, which is neutral and non-polar, with isoleucine, which is neutral and non-polar, at codon 1409 of the CIT protein (p.Val1409Ile). This variant is present in population databases (rs374437974, gnomAD 0.006%). This variant has not been reported in the literature in individuals affected with CIT-related conditions. An algorithm developed to predict the effect of missense changes on protein structure and function (PolyPhen-2) suggests that this variant is likely to be tolerated. In summary, the available evidence is currently insufficient to determine the role of this variant in disease. Therefore, it has been classified as a Variant of Uncertain Significance.

NM_001206999.2(CIT):c.4225G>A (p.Val1409Ile)

Gene: CIT (citron rho-interacting serine/threonine kinase; minus strand). Cytogenetic location: 12q24.23.
Variant type: single nucleotide variant.
Coding change: c.4225G>A on transcript NM_001206999.2 (MANE Select); coding-DNA position 4225, G replaced by A.
Protein change: p.Val1409Ile; replaces valine 1409 with isoleucine.
Molecular consequence: missense variant.
Genome position (GRCh38, 1-based): chr12:119,714,278, C>T on the plus strand (G>A on the coding strand, the complement: CIT is on the minus strand). VCF-style: chr12-119714278-C-T. GRCh37 (hg19) VCF-style: chr12-120152083-C-T.
Other names: c.4099G>A, p.Val1367Ile (NM_007174.3); short protein forms V1367I, V1409I.
Identifiers: ClinVar variation 4797036 (VCV004797036.1).